The following is an entry in ClinVar:

NM_000089.4(COL1A2):c.2713G>T (p.Ala905Ser)

Gene: COL1A2 (collagen type I alpha 2 chain; plus strand). Cytogenetic location: 7q21.3.
Variant type: single nucleotide variant.
Coding change: c.2713G>T on transcript NM_000089.4 (MANE Select); coding-DNA position 2713, G replaced by T.
Protein change: p.Ala905Ser; replaces alanine 905 with serine.
Molecular consequence: missense variant.
Genome position (GRCh38, 1-based): chr7:94,425,156, G>T. VCF-style: chr7-94425156-G-T. GRCh37 (hg19) VCF-style: chr7-94054468-G-T.
Other names: short protein forms A905S.
Identifiers: ClinVar variation 456821 (VCV000456821.50), dbSNP rs1344095248, ClinGen allele CA368224464.

ClinVar aggregate classification (germline): Uncertain significance. Review status: criteria provided, multiple submitters, no conflicts (2 of 4 stars). 2 submissions from 2 submitters: Uncertain significance (2). Last evaluated 2025-10-21.

Conditions:
Ehlers-Danlos syndrome, classic type, 1 (EDSCL1). Also called: EHLERS-DANLOS SYNDROME, GRAVIS TYPE; EHLERS-DANLOS SYNDROME, SEVERE CLASSIC TYPE; EDS I; Ehlers-Danlos Syndrome, Classic Type, COL5A1-Related; Ehlers-Danlos syndrome, type 1. Identifiers: MedGen C0268335, MONDO:0019567, OMIM 130000.
Osteogenesis imperfecta type I (OI1). Also called: OI, TYPE I; OSTEOGENESIS IMPERFECTA TARDA; OSTEOGENESIS IMPERFECTA WITH BLUE SCLERAE; Classic Non-deforming Osteogenesis Imperfecta with Blue Sclerae; Lobstein disease; Osteogenesis imperfecta type 1. Identifiers: Orphanet 216796, Orphanet 666, MedGen C0023931, MONDO:0008146, OMIM 166200. Disease mechanism: loss of function.

Allele frequency attached by ClinVar (database versions not stated): TOPMed 0.00001.
gnomAD v4.1: 4 of 1,613,962 alleles (0.00025%); highest among the groups gnomAD compares: African/African-American, 0.004%; no homozygotes.

Submissions (2):

Labcorp Genetics (formerly Invitae), Labcorp
Classification: Uncertain significance for Osteogenesis imperfecta type I; Ehlers-Danlos syndrome, classic type, 1. Last evaluated: 2025-10-21. Review status: criteria provided, single submitter. Criteria: Invitae Variant Classification Sherloc (09022015). Collection method: clinical testing. Allele origin: germline.
Comment: This sequence change replaces alanine, which is neutral and non-polar, with serine, which is neutral and polar, at codon 905 of the COL1A2 protein (p.Ala905Ser). This variant is not present in population databases (gnomAD no frequency). This variant has not been reported in the literature in individuals affected with COL1A2-related conditions. ClinVar contains an entry for this variant (Variation ID: 456821). Invitae Evidence Modeling of protein sequence and biophysical properties (such as structural, functional, and spatial information, amino acid conservation, physicochemical variation, residue mobility, and thermodynamic stability) indicates that this missense variant is not expected to disrupt COL1A2 protein function with a negative predictive value of 95%. In summary, the available evidence is currently insufficient to determine the role of this variant in disease. Therefore, it has been classified as a Variant of Uncertain Significance.

Women's Health and Genetics/Laboratory Corporation of America, LabCorp
Classification: Uncertain significance. Last evaluated: 2019-12-04. Review status: criteria provided, single submitter. Criteria: LabCorp Variant Classification Summary - May 2015. Collection method: clinical testing. Allele origin: germline.
Comment: Variant summary: COL1A2 c.2713G>T (p.Ala905Ser) results in a conservative amino acid change in the encoded protein sequence. Four of five in-silico tools predict a benign effect of the variant on protein function. The variant was absent in 251384 control chromosomes (gnomAD). The available data on variant occurrences in the general population are insufficient to allow any conclusion about variant significance. To our knowledge, no occurrence of c.2713G>T in individuals affected with Ehlers-Danlos Syndrome and no experimental evidence demonstrating its impact on protein function have been reported. One ClinVar submitter (evaluation after 2014) cites the variant as uncertain significance. Based on the evidence outlined above, the variant was classified as uncertain significance.